The following is an entry in ClinVar:

NM_001127671.2(LIFR):c.1516A>C (p.Thr506Pro)

Gene: LIFR (LIF receptor subunit alpha; minus strand). Cytogenetic location: 5p13.1.
Variant type: single nucleotide variant.
Coding change: c.1516A>C on transcript NM_001127671.2 (MANE Select); coding-DNA position 1516, A replaced by C.
Protein change: p.Thr506Pro; replaces threonine 506 with proline.
Molecular consequence: missense variant.
Genome position (GRCh38, 1-based): chr5:38,502,721, T>G on the plus strand (A>C on the coding strand, the complement: LIFR is on the minus strand). VCF-style: chr5-38502721-T-G. GRCh37 (hg19) VCF-style: chr5-38502823-T-G.
Other names: c.1516A>C, p.Thr506Pro (NM_001364297.2, NM_001364298.2, NM_002310.6); short protein forms T506P.
Identifiers: ClinVar variation 392409 (VCV000392409.2), dbSNP rs1057524477, ClinGen allele CA16605374.
Genomic context (GRCh38, chr5:38,502,721, plus strand): 5'-TTTTATTGCTCCATTTGCTCCATTTCCAGAAAGTTTCAGTAGAACAACGAATCCGAAAAG[T>G]ATATAGAGTGTATGGATTTAACTTGTCCAGAGCAACAAGATAACTTGAATTTTCTACTCC-3'
Protein context (NP_001121143.1, residues 496-516): LDKLNPYTLY[Thr506Pro]FRIRCSTETF

ClinVar aggregate classification (germline): Uncertain significance (1 of 4 stars; one submission).

Allele frequency attached by ClinVar (database versions not stated): TOPMed below 0.00001 and 0.00001.
gnomAD v4.1: 4 of 1,611,410 alleles (0.00025%); highest among the groups gnomAD compares: Non-Finnish European, 0.00034%; no homozygotes.

Submission:

GeneDx
Classification: Uncertain significance. Last evaluated: 2017-01-19. Review status: criteria provided, single submitter. Criteria: GeneDx Variant Classification (06012015). Collection method: clinical testing. Allele origin: germline. Affected: yes.
Comment: The T506P variant in the LIFR gene has not been reported previously as a pathogenic variant, nor as a benign variant, to our knowledge. The T506P variant was not observed in approximately 6500 individuals of European and African American ancestry in the NHLBI Exome Sequencing Project, indicating it is not a common benign variant in these populations. The T506P variant is a non-conservative amino acid substitution, which is likely to impact secondary protein structure as these residues differ in polarity, charge, size and/or other properties. This substitution occurs at a position that is not conserved. In silico analysis is inconsistent in its predictions as to whether or not the variant is damaging to the protein structure/function. We interpret T506P as a variant of uncertain significance.